The following is an entry in ClinVar:

NM_004304.5(ALK):c.3321C>G (p.Asp1107Glu)

Gene: ALK (ALK receptor tyrosine kinase; minus strand). Cytogenetic location: 2p23.2.
Variant type: single nucleotide variant.
Coding change: c.3321C>G on transcript NM_004304.5 (MANE Select); coding-DNA position 3321, C replaced by G.
Protein change: p.Asp1107Glu; replaces aspartic acid 1107 with glutamic acid.
Molecular consequence: missense variant.
Genome position (GRCh38, 1-based): chr2:29,223,380, G>C on the plus strand (C>G on the coding strand, the complement: ALK is on the minus strand). VCF-style: chr2-29223380-G-C. GRCh37 (hg19) VCF-style: chr2-29446246-G-C.
Other names: c.117C>G, p.Asp39Glu (NM_001353765.2); short protein forms D39E, D1107E.
Identifiers: ClinVar variation 4273240 (VCV004273240.1).

ClinVar aggregate classification (germline): Uncertain significance (1 of 4 stars; one submission).

Conditions:
Hereditary cancer-predisposing syndrome. Also called: Hereditary Cancer Syndrome; Hereditary neoplastic syndrome; Neoplastic Syndromes, Hereditary; Tumor predisposition. Identifiers: Orphanet 140162, MedGen C0027672, MeSH D009386, MONDO:0015356.

Submission:

Ambry Genetics
Classification: Uncertain significance for Hereditary cancer-predisposing syndrome. Last evaluated: 2025-09-07. Review status: criteria provided, single submitter. Criteria: Ambry Variant Classification Scheme 2023. Collection method: clinical testing. Allele origin: germline.
Comment: The p.D1107E variant (also known as c.3321C>G), located in coding exon 20 of the ALK gene, results from a C to G substitution at nucleotide position 3321. The aspartic acid at codon 1107 is replaced by glutamic acid, an amino acid with highly similar properties. This amino acid position is conserved. In addition, the in silico prediction for this alteration is inconclusive. Based on the available evidence, the clinical significance of this variant remains unclear.